The following is an entry in ClinVar:

NM_001039141.3(TRIOBP):c.4526_4527del (p.Arg1509fs)

Gene: TRIOBP (TRIO and F-actin binding protein; plus strand). Cytogenetic location: 22q13.1.
Variant type: Microsatellite.
Coding change: c.4526_4527del on transcript NM_001039141.3 (MANE Select); coding-DNA positions 4526 to 4527, 2 bases deleted (GA; older notation c.4526_4527delGA).
Protein change: p.Arg1509fs; shifts the reading frame from arginine 1509.
Molecular consequence: frameshift variant.
Genome position (GRCh38, 1-based): chr22:37,734,862-37,734,863, GA deleted; deleting any 2 consecutive bases within chr22:37,734,859-37,734,863 gives the same sequence; the c. name uses the placement nearest the transcript's 3' end. VCF-style (leftmost placement, unchanged base first): chr22-37734858-AAG-A. GRCh37 (hg19) VCF-style: chr22-38130865-AAG-A.
Other names: short protein forms R1509fs.
Identifiers: ClinVar variation 817845 (VCV000817845.3), dbSNP rs1601639680, ClinGen allele CA514773646.

ClinVar aggregate classification (germline): Likely pathogenic. Review status: criteria provided, multiple submitters, no conflicts (2 of 4 stars). 2 submissions from 2 submitters: Likely pathogenic (2). Last evaluated 2018-10-23.

Conditions:
Autosomal recessive nonsyndromic hearing loss 28. Identifiers: Orphanet 90636, MedGen C1853276, MONDO:0012355, OMIM 609823.

Submissions (2):

GeneDx
Classification: Likely pathogenic. Last evaluated: 2018-10-23. Review status: criteria provided, single submitter. Criteria: GeneDx Variant Classification (06012015). Collection method: clinical testing. Allele origin: germline. Affected: yes.
Comment: The c.4526_4527delGA likely pathogenic variant in the TRIOBP gene causes a frameshift starting with codon Arginine 1509, changes this amino acid to a Lysine residue and creates a premature Stop codon at position 8 of the new reading frame, denoted p.Arg1509LysfsX8. This likely pathogenic variant is predicted to cause loss of normal protein function either through protein truncation or nonsense-mediated mRNA decay. The c.4526_4527delGA variant is not observed in large population cohorts (Lek et al., 2016).

Juno Genomics, Hangzhou Juno Genomics, Inc
Classification: Likely pathogenic for Autosomal recessive nonsyndromic hearing loss 28. Review status: criteria provided, single submitter. Criteria: ACMG Guidelines, 2015. Collection method: clinical testing. Allele origin: germline. Affected: yes.
Comment: Null variant in a gene where loss of function (LOF) is a known mechanism of disease.;Absent from controls (or at extremely low frequency if recessive) in Genome Aggregation Database, Exome Sequencing Project, 1000 Genomes Project, or Exome Aggregation Consortium.